The following is an entry in ClinVar:

NM_001376.5(DYNC1H1):c.6092A>G (p.Asn2031Ser)

Gene: DYNC1H1 (dynein cytoplasmic 1 heavy chain 1; plus strand). Cytogenetic location: 14q32.31.
Variant type: single nucleotide variant.
Coding change: c.6092A>G on transcript NM_001376.5 (MANE Select); coding-DNA position 6092, A replaced by G.
Protein change: p.Asn2031Ser; replaces asparagine 2031 with serine.
Molecular consequence: missense variant.
Genome position (GRCh38, 1-based): chr14:102,009,957, A>G. VCF-style: chr14-102009957-A-G. GRCh37 (hg19) VCF-style: chr14-102476294-A-G.
Other names: short protein forms N2031S.
Identifiers: ClinVar variation 2116275 (VCV002116275.5), dbSNP rs1178991693, ClinGen allele CA391053003.
Genomic context (GRCh38, chr14:102,009,957, plus strand): 5'-ACATGGCCATCTTCATCACCATGAACCCTGGCTACGCGGGCCGGTCTAACCTTCCTGACA[A>G]CTTGAAGAAGCTGTTCCGGAGCTTGGCCATGACCAAGCCCGACCGGCAGTTAATCGCCCA-3'
Protein context (NP_001367.2, residues 2021-2041): GYAGRSNLPD[Asn2031Ser]LKKLFRSLAM

ClinVar aggregate classification (germline): Uncertain significance. Review status: criteria provided, multiple submitters, no conflicts (2 of 4 stars). 2 submissions from 2 submitters: Uncertain significance (2). Last evaluated 2025-03-10.

Conditions:
Charcot-Marie-Tooth disease axonal type 2O. Also called: CHARCOT-MARIE-TOOTH NEUROPATHY, AXONAL, TYPE 2O; CHARCOT-MARIE-TOOTH DISEASE, AXONAL, AUTOSOMAL DOMINANT, TYPE 2O; Charcot-Marie-Tooth Neuropathy Type 2O; Charcot-Marie-Tooth disease, axonal, type 20. Identifiers: Orphanet 284232, MedGen C3280220, MONDO:0013644, OMIM 614228.

Submissions (2):

GeneDx
Classification: Uncertain significance. Last evaluated: 2025-03-10. Review status: criteria provided, single submitter. Criteria: GeneDx Variant Classification Process June 2021. Collection method: clinical testing. Allele origin: germline. Affected: yes.
Comment: Not observed at significant frequency in large population cohorts (gnomAD); In silico analysis supports that this missense variant has a deleterious effect on protein structure/function; Has not been previously published as pathogenic or benign to our knowledge; This variant is associated with the following publications: (PMID: 25512093, 25609763, 26100331)

Labcorp Genetics (formerly Invitae), Labcorp
Classification: Uncertain significance for Charcot-Marie-Tooth disease axonal type 2O. Last evaluated: 2022-03-23. Review status: criteria provided, single submitter. Criteria: Invitae Variant Classification Sherloc (09022015). Collection method: clinical testing. Allele origin: germline.
Comment: In summary, the available evidence is currently insufficient to determine the role of this variant in disease. Therefore, it has been classified as a Variant of Uncertain Significance. Advanced modeling of protein sequence and biophysical properties (such as structural, functional, and spatial information, amino acid conservation, physicochemical variation, residue mobility, and thermodynamic stability) performed at Invitae indicates that this missense variant is not expected to disrupt DYNC1H1 protein function. This variant has not been reported in the literature in individuals affected with DYNC1H1-related conditions. This variant is not present in population databases (gnomAD no frequency). This sequence change replaces asparagine, which is neutral and polar, with serine, which is neutral and polar, at codon 2031 of the DYNC1H1 protein (p.Asn2031Ser).